The following is an entry in ClinVar:

ClinVar aggregate classification (germline): Uncertain significance (1 of 4 stars; one submission).

Conditions:
Primary familial hypertrophic cardiomyopathy (HCM). Identifiers: Orphanet 99739, MedGen C0949658, MeSH D024741, MONDO:0024573. Inheritance: Various modes of inheritance.
Hypertrophic cardiomyopathy 25 (CMH25). Also called: CARDIOMYOPATHY, FAMILIAL HYPERTROPHIC, 25. Identifiers: MedGen C4225408, MONDO:0011843, OMIM 607487.

Submission:

Labcorp Genetics (formerly Invitae), Labcorp
Classification: Uncertain significance for Hypertrophic cardiomyopathy 25; Primary familial hypertrophic cardiomyopathy. Last evaluated: 2025-12-02. Review status: criteria provided, single submitter. Criteria: Invitae Variant Classification Sherloc (09022015). Collection method: clinical testing. Allele origin: germline.
Comment: This sequence change replaces glutamic acid, which is acidic and polar, with glycine, which is neutral and non-polar, at codon 35 of the TCAP protein (p.Glu35Gly). This variant is present in population databases (no rsID available, gnomAD 0.007%). This variant has not been reported in the literature in individuals affected with TCAP-related conditions. An algorithm developed to predict the effect of missense changes on protein structure and function (PolyPhen-2) suggests that this variant is likely to be disruptive. Algorithms developed to predict the effect of sequence changes on RNA splicing suggest that this variant may disrupt the consensus splice site. In summary, the available evidence is currently insufficient to determine the role of this variant in disease. Therefore, it has been classified as a Variant of Uncertain Significance.

NM_003673.4(TCAP):c.104A>G (p.Glu35Gly)

Gene: TCAP (titin-cap; plus strand). Cytogenetic location: 17q12.
Variant type: single nucleotide variant.
Coding change: c.104A>G on transcript NM_003673.4 (MANE Select); coding-DNA position 104, A replaced by G.
Protein change: p.Glu35Gly; replaces glutamic acid 35 with glycine.
Molecular consequence: missense variant.
Genome position (GRCh38, 1-based): chr17:39,665,463, A>G. VCF-style: chr17-39665463-A-G. GRCh37 (hg19) VCF-style: chr17-37821716-A-G.
Other names: short protein forms E35G.
Identifiers: ClinVar variation 4783151 (VCV004783151.1).